The following is an entry in ClinVar:

ClinVar aggregate classification (germline): Conflicting classifications of pathogenicity. Review status: criteria provided, conflicting classifications (1 of 4 stars). 5 submissions from 5 submitters: Uncertain significance (2); Benign (1); Likely benign (2). Last evaluated 2025-12-01.

Conditions:
Weill-Marchesani 4 syndrome, recessive. Also called: Weill-Marchesani syndrome 4. Identifiers: Orphanet 363992, MedGen C2750787, MONDO:0013176, OMIM 613195.

Allele frequency attached by ClinVar (database versions not stated): ESP Exome Variant Server 0.00008; TOPMed 0.00017.
gnomAD v4.1: 347 of 1,608,386 alleles (0.022%); highest among the groups gnomAD compares: Admixed American, 0.12%; 4 homozygotes.

Submissions (5):

Labcorp Genetics (formerly Invitae), Labcorp
Classification: Benign. Last evaluated: 2025-12-01. Review status: criteria provided, single submitter. Criteria: Invitae Variant Classification Sherloc (09022015). Collection method: clinical testing. Allele origin: germline.

Mayo Clinic Laboratories, Mayo Clinic
Classification: Likely benign. Last evaluated: 2024-12-27. Review status: criteria provided, single submitter. Criteria: ACMG Guidelines, 2015. Collection method: clinical testing. Allele origin: germline. Observed: 1 variant allele.
Comment: BS1, BP4, BP7

Blueprint Genetics
Classification: Likely benign. Last evaluated: 2024-09-05. Review status: criteria provided, single submitter. Criteria: ACMG Guidelines, 2015. Collection method: clinical testing. Allele origin: germline.

Center for Genomics, Ann and Robert H. Lurie Children's Hospital of Chicago
Classification: Uncertain significance for Weill-Marchesani 4 syndrome, recessive. Last evaluated: 2021-03-30. Review status: criteria provided, single submitter. Criteria: ACMG Guidelines, 2015. Collection method: clinical testing. Allele origin: germline.
Comment: ADAMTS17 NM_139057.3 exon 19 c.2592-9G>A: This variant has not been reported in the literature but is present in 0.1% (23/15284) of Latino alleles in the Genome Aggregation Database, including one homozygote in the Middle Eastern population. This variant is present in ClinVar (Variation ID:315263). Evolutionary conservation and computational predictive tools for this variant are limited or unavailable. Although this variant occurs in the splice region, computational prediction tools do not suggest that it alters splicing. However, further studies are needed to understand its impact. In summary, data on this variant is insufficient for disease classification. Therefore, the clinical significance of this variant is uncertain.

Illumina Laboratory Services, Illumina
Classification: Uncertain significance for Weill-Marchesani 4 syndrome, recessive. Last evaluated: 2018-01-13. Review status: criteria provided, single submitter. Criteria: ICSL Variant Classification Criteria 13 December 2019. Collection method: clinical testing. Allele origin: germline.

NM_139057.4(ADAMTS17):c.2592-9G>A

Gene: ADAMTS17 (ADAM metallopeptidase with thrombospondin type 1 motif 17; minus strand). Cytogenetic location: 15q26.3.
Variant type: single nucleotide variant.
Coding change: c.2592-9G>A on transcript NM_139057.4 (MANE Select); 9 bases into the intron before coding-DNA position 2592, G replaced by A.
Molecular consequence: intron variant.
Genome position (GRCh38, 1-based): chr15:99,997,598, C>T on the plus strand (G>A on the coding strand, the complement: ADAMTS17 is on the minus strand). VCF-style: chr15-99997598-C-T. GRCh37 (hg19) VCF-style: chr15-100537803-C-T.
Other names: p.?.
Identifiers: ClinVar variation 315263 (VCV000315263.15), dbSNP rs373353462, ClinGen allele CA7757644.